The following is an entry in ClinVar:

NM_001384140.1(PCDH15):c.2507C>G (p.Thr836Ser)

Gene: PCDH15 (protocadherin related 15; minus strand). Cytogenetic location: 10q21.1.
Variant type: single nucleotide variant.
Coding change: c.2507C>G on transcript NM_001384140.1 (MANE Select); coding-DNA position 2507, C replaced by G.
Protein change: p.Thr836Ser; replaces threonine 836 with serine.
Molecular consequence: missense variant.
Genome position (GRCh38, 1-based): chr10:54,022,911, G>C on the plus strand (C>G on the coding strand, the complement: PCDH15 is on the minus strand). VCF-style: chr10-54022911-G-C. GRCh37 (hg19) VCF-style: chr10-55782671-G-C.
Other names: p.Thr836Ser; c.2522C>G, p.Thr841Ser (NM_001142763.2, NM_001142771.2); c.2507C>G, p.Thr836Ser (NM_001142764.2, NM_001142766.2, NM_001142770.3 and 5 more transcripts); c.2294C>G, p.Thr765Ser (NM_001142765.2); c.2396C>G, p.Thr799Ser (NM_001142767.2); c.2441C>G, p.Thr814Ser (NM_001142768.2, NM_001142773.2, NM_001354404.2); c.2543C>G, p.Thr848Ser (NM_001142769.4); c.2528C>G, p.Thr843Ser (NM_001354411.2); short protein forms T765S, T799S, T814S, T836S, T841S, T843S, T848S.
Identifiers: ClinVar variation 2683102 (VCV002683102.2), dbSNP rs761375285, ClinGen allele CA5506018.
Genomic context (GRCh38, chr10:54,022,911, plus strand): 5'-CTAATGTAGGATTCATGTAATAAATGCTTTTTCCCACACACCTCTATTTGAAGGATGGTA[G>C]TCCCAGCTGGCAAATTCTCTTCAACAAGGACAGTGTATGTTGAATTGGTGAACACAGGAC-3'
Protein context (NP_001371069.1, residues 826-846): VLVEENLPAG[Thr836Ser]TILQIEAKDV

ClinVar aggregate classification (germline): Uncertain significance. Review status: criteria provided, multiple submitters, no conflicts (2 of 4 stars). 2 submissions from 2 submitters: Uncertain significance (2). Last evaluated 2025-01-06.

Allele frequency attached by ClinVar (database versions not stated): ExAC 0.00001; gnomAD exomes 0.00001.
gnomAD v4.1: 3 of 1,613,846 alleles (0.00019%); highest among the groups gnomAD compares: East Asian, 0.0067%; no homozygotes.

Submissions (2):

Labcorp Genetics (formerly Invitae), Labcorp
Classification: Uncertain significance. Last evaluated: 2025-01-06. Review status: criteria provided, single submitter. Criteria: Invitae Variant Classification Sherloc (09022015). Collection method: clinical testing. Allele origin: germline.
Comment: This sequence change replaces threonine, which is neutral and polar, with serine, which is neutral and polar, at codon 836 of the PCDH15 protein (p.Thr836Ser). This variant is present in population databases (rs761375285, gnomAD 0.02%). This variant has not been reported in the literature in individuals affected with PCDH15-related conditions. ClinVar contains an entry for this variant (Variation ID: 2683102). Invitae Evidence Modeling of protein sequence and biophysical properties (such as structural, functional, and spatial information, amino acid conservation, physicochemical variation, residue mobility, and thermodynamic stability) indicates that this missense variant is not expected to disrupt PCDH15 protein function with a negative predictive value of 95%. In summary, the available evidence is currently insufficient to determine the role of this variant in disease. Therefore, it has been classified as a Variant of Uncertain Significance.

Mayo Clinic Laboratories, Mayo Clinic
Classification: Uncertain significance. Last evaluated: 2022-12-21. Review status: criteria provided, single submitter. Criteria: ACMG Guidelines, 2015. Collection method: clinical testing. Allele origin: germline. Observed: 1 variant allele.
Comment: PM2